The following is an entry in ClinVar:

NM_024675.4(PALB2):c.895T>A (p.Ser299Thr)

Gene: PALB2 (partner and localizer of BRCA2; minus strand). Cytogenetic location: 16p12.2.
Variant type: single nucleotide variant.
Coding change: c.895T>A on transcript NM_024675.4 (MANE Select); coding-DNA position 895, T replaced by A.
Protein change: p.Ser299Thr; replaces serine 299 with threonine.
Molecular consequence: missense variant. On other transcripts: intron variant (3).
Genome position (GRCh38, 1-based): chr16:23,635,651, A>T on the plus strand (T>A on the coding strand, the complement: PALB2 is on the minus strand). VCF-style: chr16-23635651-A-T. GRCh37 (hg19) VCF-style: chr16-23646972-A-T.
Other names: c.835T>A, p.Ser279Thr (NM_001407296.1); c.895T>A, p.Ser299Thr (NM_001407297.1, NM_001407298.1, NM_001407299.1 and 3 more transcripts); c.10T>A, p.Ser4Thr (NM_001407304.1, NM_001407305.1, NM_001407306.1 and 5 more transcripts); c.48+5459T>A (NM_001407314.1); c.-104-5182T>A (NM_001407313.1, NM_001407312.1); short protein forms S279T, S299T, S4T.
Identifiers: ClinVar variation 3228045 (VCV003228045.1), dbSNP rs2142431778, ClinGen allele CA395135604.
Genomic context (GRCh38, chr16:23,635,651, plus strand): 5'-AACTTGTGGGCAGTTGGCCACTTTTACTTATAGCTTTATTTACAAGGAGGTTATCTGTAG[A>T]GACAGTCATTTTTTTGCCTTGTGCCTCCAAACTTACAGGTGAAGTAAATCTAATGTTTTT-3'
Protein context (NP_078951.2, residues 289-309): LEAQGKKMTV[Ser299Thr]TDNLLVNKAI

ClinVar aggregate classification (germline): Uncertain significance (1 of 4 stars; one submission).

Conditions:
Hereditary cancer-predisposing syndrome. Also called: Neoplastic Syndromes, Hereditary; Tumor predisposition; Hereditary neoplastic syndrome; Hereditary Cancer Syndrome. Identifiers: Orphanet 140162, MedGen C0027672, MeSH D009386, MONDO:0015356.

Submission:

Ambry Genetics
Classification: Uncertain significance for Hereditary cancer-predisposing syndrome. Last evaluated: 2022-11-23. Review status: criteria provided, single submitter. Criteria: Ambry Variant Classification Scheme 2023. Collection method: clinical testing. Allele origin: germline.
Comment: The p.S299T variant (also known as c.895T>A), located in coding exon 4 of the PALB2 gene, results from a T to A substitution at nucleotide position 895. The serine at codon 299 is replaced by threonine, an amino acid with similar properties. This amino acid position is conserved. In addition, this alteration is predicted to be tolerated by in silico analysis. Since supporting evidence is limited at this time, the clinical significance of this alteration remains unclear.